The following is an entry in ClinVar:

ClinVar aggregate classification (germline): Pathogenic/Likely pathogenic. Review status: criteria provided, multiple submitters, no conflicts (2 of 4 stars). 4 submissions from 4 submitters: Pathogenic (3); Likely pathogenic (1). Last evaluated 2024-03-29.

Conditions:
3-methylcrotonyl-CoA carboxylase 2 deficiency. Also called: METHYLCROTONYLGLYCINURIA, TYPE II; 3 alpha methylcrotonyl-CoA carboxylase 2 deficiency; 3 alpha methylcrotonylglycinuria 2; MCC 2 deficiency; Methylcrotonylglycinuria type 2. Identifiers: Orphanet 6, MedGen C1859499, MONDO:0008862, OMIM 210210.

Submissions (4):

Genomic Medicine Center of Excellence, King Faisal Specialist Hospital and Research Centre
Classification: Pathogenic for 3-methylcrotonyl-CoA carboxylase 2 deficiency. Last evaluated: 2024-03-29. Review status: criteria provided, single submitter. Criteria: ACMG Guidelines, 2015. Collection method: clinical testing. Allele origin: germline.

Baylor Genetics
Classification: Likely pathogenic for 3-methylcrotonyl-CoA carboxylase 2 deficiency. Last evaluated: 2023-05-15. Review status: criteria provided, single submitter. Criteria: ACMG Guidelines, 2015. Collection method: clinical testing. Allele origin: unknown.

Labcorp Genetics (formerly Invitae), Labcorp
Classification: Pathogenic for 3-methylcrotonyl-CoA carboxylase 2 deficiency. Last evaluated: 2023-03-20. Review status: criteria provided, single submitter. Criteria: Invitae Variant Classification Sherloc (09022015). Collection method: clinical testing. Allele origin: germline.
Comment: This sequence change creates a premature translational stop signal (p.Gln43*) in the MCCC2 gene. It is expected to result in an absent or disrupted protein product. Loss-of-function variants in MCCC2 are known to be pathogenic (PMID: 11181649, 22642865). This variant is not present in population databases (gnomAD no frequency). This premature translational stop signal has been observed in individual(s) with clinical features of MCCC2-related conditions (PMID: 16010683). ClinVar contains an entry for this variant (Variation ID: 1323271). Algorithms developed to predict the effect of sequence changes on RNA splicing suggest that this variant may create or strengthen a splice site. For these reasons, this variant has been classified as Pathogenic.

Revvity Omics, Revvity
Classification: Pathogenic for 3-methylcrotonyl-CoA carboxylase 2 deficiency. Last evaluated: 2021-08-11. Review status: criteria provided, single submitter. Criteria: ACMG Guidelines, 2015. Collection method: clinical testing. Allele origin: germline.

Literature cited by the submitters: PubMed 11181649 (cited by Labcorp Genetics (formerly Invitae), Labcorp); PubMed 22642865 (cited by Labcorp Genetics (formerly Invitae), Labcorp); PubMed 16010683 (cited by Labcorp Genetics (formerly Invitae), Labcorp).

NM_022132.5(MCCC2):c.127C>T (p.Gln43Ter)

Gene: MCCC2 (methylcrotonyl-CoA carboxylase subunit 2; plus strand). Cytogenetic location: 5q13.2.
Variant type: single nucleotide variant.
Coding change: c.127C>T on transcript NM_022132.5 (MANE Select); coding-DNA position 127, C replaced by T.
Protein change: p.Gln43Ter; replaces glutamine 43 with a stop codon.
Molecular consequence: nonsense.
Genome position (GRCh38, 1-based): chr5:71,587,552, C>T. VCF-style: chr5-71587552-C-T. GRCh37 (hg19) VCF-style: chr5-70883379-C-T.
Other names: c.127C>T, p.Gln43Ter (NM_001363147.1); short protein forms Q43*.
Identifiers: ClinVar variation 1323271 (VCV001323271.9), dbSNP rs2112251855, ClinGen allele CA360002520.